The following is an entry in ClinVar:

NM_001754.5(RUNX1):c.*3574A>G

Gene: RUNX1 (RUNX family transcription factor 1; minus strand). Cytogenetic location: 21q22.12.
Variant type: single nucleotide variant.
Coding change: c.*3574A>G on transcript NM_001754.5 (MANE Select); 3574 bases downstream of the stop codon, A replaced by G.
Molecular consequence: 3 prime UTR variant.
Genome position (GRCh38, 1-based): chr21:34,788,561, T>C on the plus strand (A>G on the coding strand, the complement: RUNX1 is on the minus strand). VCF-style: chr21-34788561-T-C. GRCh37 (hg19) VCF-style: chr21-36160858-T-C.
Other names: NC_000021.8:g.36160858T>C; c.*3574A>G (NM_001001890.3, NM_001754.4).
Identifiers: ClinVar variation 339805 (VCV000339805.7), dbSNP rs113375138, ClinGen allele CA10652907.
Genomic context (GRCh38, chr21:34,788,561, plus strand): 5'-TTTTTCCCTACAGTATTTAGCAAACCTAAGAAAAAGTCCTTAGAAACACACACAAAAAAA[T>C]TGAAAAAAAGTTATAGGCATTAACAATATTTTATAATGAAGCTTAAAATCTATTTACATA-3'

ClinVar aggregate classification (germline): Benign. Review status: reviewed by expert panel (3 of 4 stars). 2 submissions from 2 submitters: Benign (1). 1 of the submissions does not count toward it. Last evaluated 2020-01-13.

Conditions:
Hereditary thrombocytopenia and hematological cancer predisposition syndrome associated with RUNX1. Also called: PLATELET DISORDER, ASPIRIN-LIKE; RUNX1 Familial Platelet Disorder with Associated Myeloid Malignancies; Familial Platelet Disorder with Propensity to Acute Myelogenous Leukemia; Familial thrombocytopenia with propensity to acute myelogenous leukemia. Identifiers: Orphanet 71290, MedGen C1832388, MeSH C563324, MONDO:0100083, OMIM 601399.

Allele frequency attached by ClinVar (database versions not stated): TOPMed 0.02662; 1000 Genomes Project 30x 0.02764; gnomAD 0.02390 and 0.02560; 1000 Genomes Project 0.02516.
gnomAD v4.1: 4,066 of 232,850 alleles (1.7%); highest among the groups gnomAD compares: African/African-American, 8.2%; 145 homozygotes.

Submissions (6):

ClinGen Myeloid Malignancy Variant Curation Expert Panel
Classification: Benign for Hereditary thrombocytopenia and hematologic cancer predisposition syndrome. Last evaluated: 2020-01-13. Review status: reviewed by expert panel. Criteria: ClinGen MyeloMalig ACMG Specifications v1. Collection method: curation. Allele origin: germline. Inheritance: Autosomal dominant inheritance.
Comment: The NM_001754.4:c.*3574A>G variant in the 3' UTR has an MAF of 0.085 (8%, 3384/41962 alleles) in the African subpopulation of the gnomAD v3 cohort and is =/> 0.0015 (0.15%) (BA1). This variant is detected in a homozygous state in 121 individuals in the gnomAD v3 population database (BP2). In summary, this variant meets criteria to be classified as benign. ACMG/AMP criteria applied, as specified by the Myeloid Malignancy Variant Curation Expert Panel for RUNX1: BA1, BP2.

Illumina Laboratory Services, Illumina
Classification: Benign for Hereditary thrombocytopenia and hematological cancer predisposition syndrome associated with RUNX1. Last evaluated: 2018-01-12. Review status: criteria provided, single submitter. Criteria: ICSL Variant Classification Criteria 13 December 2019. Collection method: clinical testing. Allele origin: germline. Not counted in ClinVar's aggregate classification.
Comment: This variant was observed in the ICSL laboratory as part of a predisposition screen in an ostensibly healthy population. It had not been previously curated by ICSL or reported in the Human Gene Mutation Database (HGMD: prior to June 1st, 2018), and was therefore a candidate for classification through an automated scoring system. Utilizing variant allele frequency, disease prevalence and penetrance estimates, and inheritance mode, an automated score was calculated to assess if this variant is too frequent to cause the disease. Based on the score and internal cut-off values, a variant classified as benign is not then subjected to further curation. The score for this variant resulted in a classification of benign for this disease.

Dr. Peter K. Rogan Lab, Western University
No classification provided (evidence only). Condition: Uterine corpus endometrial carcinoma. Review status: no classification provided. Collection method: in vitro. Allele origin: not applicable. Functional consequence: retained intron. Not counted in ClinVar's aggregate classification.

Dr. Peter K. Rogan Lab, Western University
No classification provided (evidence only). Condition: Uterine corpus endometrial carcinoma. Review status: no classification provided. Collection method: in vitro. Allele origin: not applicable. Functional consequence: retained intron. Not counted in ClinVar's aggregate classification.

Dr. Peter K. Rogan Lab, Western University
No classification provided (evidence only). Condition: Uterine corpus endometrial carcinoma. Review status: no classification provided. Collection method: in vitro. Allele origin: not applicable. Functional consequence: retained intron. Not counted in ClinVar's aggregate classification.

Dr. Peter K. Rogan Lab, Western University
No classification provided (evidence only). Condition: Sarcoma. Review status: no classification provided. Collection method: in vitro. Allele origin: not applicable. Functional consequence: retained intron. Not counted in ClinVar's aggregate classification.